The following is an entry in ClinVar:

NM_000135.4(FANCA):c.4138G>A (p.Ala1380Thr)

Genes: FANCA (FA complementation group A; minus strand), ZNF276 (zinc finger protein 276; plus strand). Cytogenetic location: 16q24.3.
Variant type: single nucleotide variant.
Coding change: c.4138G>A on transcript NM_000135.4 (MANE Select); coding-DNA position 4138, G replaced by A.
Protein change: p.Ala1380Thr; replaces alanine 1380 with threonine.
Molecular consequence: missense variant. On other transcripts: 3 prime UTR variant (2), non-coding transcript variant (4).
Genome position (GRCh38, 1-based): chr16:89,739,162, C>T on the plus strand (G>A on the coding strand, the complement: FANCA is on the minus strand). VCF-style: chr16-89739162-C-T. GRCh37 (hg19) VCF-style: chr16-89805570-C-T.
Other names: c.4138G>A, p.Ala1380Thr (NM_001286167.3); c.*916C>T (NM_001113525.2, NM_152287.4); short protein forms A1380T.
Identifiers: ClinVar variation 1471330 (VCV001471330.4), dbSNP rs775234845, ClinGen allele CA8250775.

ClinVar aggregate classification (germline): Uncertain significance. Review status: criteria provided, multiple submitters, no conflicts (2 of 4 stars). 2 submissions from 2 submitters: Uncertain significance (2). Last evaluated 2025-02-15.

Conditions:
Inborn genetic diseases. Identifiers: MedGen C0950123, MeSH D030342.
Fanconi anemia (FA). Also called: Fanconi's anemia. Identifiers: Orphanet 84, MedGen C0015625, MeSH D005199, MONDO:0019391.

Allele frequency attached by ClinVar (database versions not stated): ExAC 0.00001.
gnomAD v4.1: 7 of 1,614,170 alleles (0.00043%); highest among the groups gnomAD compares: South Asian, 0.0077%; no homozygotes.

Submissions (2):

Ambry Genetics
Classification: Uncertain significance for Inborn genetic diseases. Last evaluated: 2025-02-15. Review status: criteria provided, single submitter. Criteria: Ambry Variant Classification Scheme 2023. Collection method: clinical testing. Allele origin: germline.
Comment: The p.A1380T variant (also known as c.4138G>A), located in coding exon 41 of the FANCA gene, results from a G to A substitution at nucleotide position 4138. The alanine at codon 1380 is replaced by threonine, an amino acid with similar properties. This amino acid position is conserved. In addition, this alteration is predicted to be tolerated by in silico analysis. Based on the available evidence, the clinical significance of this variant remains unclear.

Labcorp Genetics (formerly Invitae), Labcorp
Classification: Uncertain significance for Fanconi anemia. Last evaluated: 2021-11-23. Review status: criteria provided, single submitter. Criteria: Invitae Variant Classification Sherloc (09022015). Collection method: clinical testing. Allele origin: germline.
Comment: This sequence change replaces alanine, which is neutral and non-polar, with threonine, which is neutral and polar, at codon 1380 of the FANCA protein (p.Ala1380Thr). This variant is present in population databases (rs775234845, gnomAD 0.006%). This variant has not been reported in the literature in individuals affected with FANCA-related conditions. Advanced modeling of protein sequence and biophysical properties (such as structural, functional, and spatial information, amino acid conservation, physicochemical variation, residue mobility, and thermodynamic stability) performed at Invitae indicates that this missense variant is not expected to disrupt FANCA protein function. In summary, the available evidence is currently insufficient to determine the role of this variant in disease. Therefore, it has been classified as a Variant of Uncertain Significance.